The following is an entry in ClinVar:

NM_001286.5(CLCN6):c.1980+2T>C

Gene: CLCN6 (chloride voltage-gated channel 6; plus strand). Cytogenetic location: 1p36.22.
Variant type: single nucleotide variant.
Coding change: c.1980+2T>C on transcript NM_001286.5 (MANE Select); the canonical splice donor site of the intron after coding-DNA position 1980, T replaced by C.
Molecular consequence: splice donor variant.
Genome position (GRCh38, 1-based): chr1:11,836,155, T>C. VCF-style: chr1-11836155-T-C. GRCh37 (hg19) VCF-style: chr1-11896212-T-C.
Other names: c.1914+2T>C (NM_001256959.2).
Identifiers: ClinVar variation 2023747 (VCV002023747.4), dbSNP rs2523165635, ClinGen allele CA338439083.

ClinVar aggregate classification (germline): Uncertain significance (1 of 4 stars; one submission).

Submission:

Labcorp Genetics (formerly Invitae), Labcorp
Classification: Uncertain significance. Last evaluated: 2022-08-12. Review status: criteria provided, single submitter. Criteria: Invitae Variant Classification Sherloc (09022015). Collection method: clinical testing. Allele origin: germline.
Comment: In summary, the available evidence is currently insufficient to determine the role of this variant in disease. Therefore, it has been classified as a Variant of Uncertain Significance. This sequence change affects a donor splice site in intron 18 of the CLCN6 gene. It is expected to disrupt RNA splicing. Variants that disrupt the donor or acceptor splice site typically lead to a loss of protein function (PMID: 16199547), however the current clinical and genetic evidence is not sufficient to establish whether loss-of-function variants in CLCN6 cause disease. This variant is not present in population databases (gnomAD no frequency). This variant has not been reported in the literature in individuals affected with CLCN6-related conditions. Algorithms developed to predict the effect of sequence changes on RNA splicing suggest that this variant may disrupt the consensus splice site.

Literature cited by the submitters: PubMed 16199547.